The following is an entry in ClinVar:

ClinVar aggregate classification (germline): Uncertain significance. Review status: criteria provided, multiple submitters, no conflicts (2 of 4 stars). 2 submissions from 2 submitters: Uncertain significance (2). Last evaluated 2023-11-25.

Submissions (2):

Labcorp Genetics (formerly Invitae), Labcorp
Classification: Uncertain significance. Last evaluated: 2023-11-25. Review status: criteria provided, single submitter. Criteria: Invitae Variant Classification Sherloc (09022015). Collection method: clinical testing. Allele origin: germline.
Comment: This sequence change replaces methionine, which is neutral and non-polar, with valine, which is neutral and non-polar, at codon 607 of the CACNA2D4 protein (p.Met607Val). This variant is not present in population databases (gnomAD no frequency). This variant has not been reported in the literature in individuals affected with CACNA2D4-related conditions. ClinVar contains an entry for this variant (Variation ID: 1429505). An algorithm developed to predict the effect of missense changes on protein structure and function (PolyPhen-2) suggests that this variant is likely to be disruptive. In summary, the available evidence is currently insufficient to determine the role of this variant in disease. Therefore, it has been classified as a Variant of Uncertain Significance.

Blueprint Genetics
Classification: Uncertain significance. Last evaluated: 2020-09-25. Review status: criteria provided, single submitter. Criteria: ACMG Guidelines, 2015. Collection method: clinical testing. Allele origin: germline.

NM_172364.5(CACNA2D4):c.1819A>G (p.Met607Val)

Gene: CACNA2D4 (calcium voltage-gated channel auxiliary subunit alpha2delta 4; minus strand). Cytogenetic location: 12p13.33.
Variant type: single nucleotide variant.
Coding change: c.1819A>G on transcript NM_172364.5 (MANE Select); coding-DNA position 1819, A replaced by G.
Protein change: p.Met607Val; replaces methionine 607 with valine.
Molecular consequence: missense variant.
Genome position (GRCh38, 1-based): chr12:1,874,663, T>C on the plus strand (A>G on the coding strand, the complement: CACNA2D4 is on the minus strand). VCF-style: chr12-1874663-T-C. GRCh37 (hg19) VCF-style: chr12-1983829-T-C.
Other names: short protein forms M607V.
Identifiers: ClinVar variation 1429505 (VCV001429505.7), dbSNP rs1865848554, ClinGen allele CA383350926.